The following is an entry in ClinVar:

ClinVar aggregate classification (germline): Uncertain significance. Review status: criteria provided, multiple submitters, no conflicts (2 of 4 stars). 2 submissions from 2 submitters: Uncertain significance (2). Last evaluated 2025-11-24.

Allele frequency attached by ClinVar (database versions not stated): ExAC 0.00001; gnomAD 0.00001; gnomAD exomes 0.00001; TOPMed 0.00001.
gnomAD v4.1: 11 of 1,609,124 alleles (0.00068%); highest among the groups gnomAD compares: East Asian, 0.0045%; no homozygotes.

Submissions (2):

Labcorp Genetics (formerly Invitae), Labcorp
Classification: Uncertain significance. Last evaluated: 2025-11-24. Review status: criteria provided, single submitter. Criteria: Invitae Variant Classification Sherloc (09022015). Collection method: clinical testing. Allele origin: germline.
Comment: This sequence change replaces aspartic acid, which is acidic and polar, with asparagine, which is neutral and polar, at codon 1193 of the ABCA4 protein (p.Asp1193Asn). This variant is present in population databases (rs777239290, gnomAD 0.01%). This missense change has been observed in individual(s) with ABCA4-related conditions (internal data). ClinVar contains an entry for this variant (Variation ID: 941483). Invitae Evidence Modeling of protein sequence and biophysical properties (such as structural, functional, and spatial information, amino acid conservation, physicochemical variation, residue mobility, and thermodynamic stability) indicates that this missense variant is not expected to disrupt ABCA4 protein function with a negative predictive value of 95%. In summary, the available evidence is currently insufficient to determine the role of this variant in disease. Therefore, it has been classified as a Variant of Uncertain Significance.

Blueprint Genetics
Classification: Uncertain significance. Last evaluated: 2023-11-07. Review status: criteria provided, single submitter. Criteria: ACMG Guidelines, 2015. Collection method: clinical testing. Allele origin: germline.

NM_000350.3(ABCA4):c.3577G>A (p.Asp1193Asn)

Gene: ABCA4 (ATP binding cassette subfamily A member 4; minus strand). Cytogenetic location: 1p22.1.
Variant type: single nucleotide variant.
Coding change: c.3577G>A on transcript NM_000350.3 (MANE Select); coding-DNA position 3577, G replaced by A.
Protein change: p.Asp1193Asn; replaces aspartic acid 1193 with asparagine.
Molecular consequence: missense variant.
Genome position (GRCh38, 1-based): chr1:94,040,073, C>T on the plus strand (G>A on the coding strand, the complement: ABCA4 is on the minus strand). VCF-style: chr1-94040073-C-T. GRCh37 (hg19) VCF-style: chr1-94505629-C-T.
Other names: c.3355G>A, p.Asp1119Asn (NM_001425324.1); short protein forms D1193N, D1119N.
Identifiers: ClinVar variation 941483 (VCV000941483.8), dbSNP rs777239290, ClinGen allele CA957892.